The following is an entry in ClinVar:

NM_004525.3(LRP2):c.286G>A (p.Gly96Ser)

Gene: LRP2 (LDL receptor related protein 2; minus strand). Cytogenetic location: 2q31.1.
Variant type: single nucleotide variant.
Coding change: c.286G>A on transcript NM_004525.3 (MANE Select); coding-DNA position 286, G replaced by A.
Protein change: p.Gly96Ser; replaces glycine 96 with serine.
Molecular consequence: missense variant.
Genome position (GRCh38, 1-based): chr2:169,318,786, C>T on the plus strand (G>A on the coding strand, the complement: LRP2 is on the minus strand). VCF-style: chr2-169318786-C-T. GRCh37 (hg19) VCF-style: chr2-170175296-C-T.
Other names: short protein forms G96S.
Identifiers: ClinVar variation 1953867 (VCV001953867.2), dbSNP rs1684834732, ClinGen allele CA349173526.
Genomic context (GRCh38, chr2:169,318,786, plus strand): 5'-ACAAAGCCAAAGCAAGATTCCTCTCCAAACACTTACAGCAATCTTGACGTTCATCTGAGC[C>T]ATCATCACAGTCTTGATCTTGGTCACACACCCAGGAGTTGGGGATGCATTGTCCCTCACT-3'
Protein context (NP_004516.2, residues 86-106): VCDQDQDCDD[Gly96Ser]SDERQDCSQS

ClinVar aggregate classification (germline): Uncertain significance (1 of 4 stars; one submission).

Submission:

Labcorp Genetics (formerly Invitae), Labcorp
Classification: Uncertain significance. Last evaluated: 2022-08-22. Review status: criteria provided, single submitter. Criteria: Invitae Variant Classification Sherloc (09022015). Collection method: clinical testing. Allele origin: germline.
Comment: This sequence change replaces glycine, which is neutral and non-polar, with serine, which is neutral and polar, at codon 96 of the LRP2 protein (p.Gly96Ser). This variant is not present in population databases (gnomAD no frequency). This variant has not been reported in the literature in individuals affected with LRP2-related conditions. Advanced modeling of protein sequence and biophysical properties (such as structural, functional, and spatial information, amino acid conservation, physicochemical variation, residue mobility, and thermodynamic stability) performed at Invitae indicates that this missense variant is expected to disrupt LRP2 protein function. In summary, the available evidence is currently insufficient to determine the role of this variant in disease. Therefore, it has been classified as a Variant of Uncertain Significance.